The following is an entry in ClinVar:

ClinVar aggregate classification (germline): Conflicting classifications of pathogenicity. Review status: criteria provided, conflicting classifications (1 of 4 stars). 4 submissions from 4 submitters: Uncertain significance (1); Likely benign (1). 2 of the submissions do not count toward it. Last evaluated 2025-12-31.

Conditions:
GNS-related disorder. Also called: GNS-related condition.
Sanfilippo syndrome. Also called: Mucopolysaccharidosis type 3; Mucopolysaccharidosis Type III; Sanfilippo disease. Identifiers: Orphanet 581, MedGen C0026706, MONDO:0018937.
Mucopolysaccharidosis, MPS-III-D (MPS3D). Also called: SANFILIPPO SYNDROME D; MPS III D; Mucopoly-saccharidosis type 3D; N-acetylglucosamine-6-sulfate sulfatase deficiency; MPS 3D; N-ACETYLGLUCOSAMINE-6-SULFATASE DEFICIENCY. Identifiers: Orphanet 581, Orphanet 79272, MedGen C0086650, MONDO:0009658, OMIM 252940.

Allele frequency attached by ClinVar (database versions not stated): TOPMed 0.00014; gnomAD 0.00011 and 0.00012; ESP Exome Variant Server 0.00008.

Submissions (4):

Labcorp Genetics (formerly Invitae), Labcorp
Classification: Likely benign for Mucopolysaccharidosis, MPS-III-D. Last evaluated: 2025-12-31. Review status: criteria provided, single submitter. Criteria: Invitae Variant Classification Sherloc (09022015). Collection method: clinical testing. Allele origin: germline.

Illumina Laboratory Services, Illumina
Classification: Uncertain significance for Mucopolysaccharidosis, MPS-III-D. Last evaluated: 2018-01-13. Review status: criteria provided, single submitter. Criteria: ICSL Variant Classification Criteria 13 December 2019. Collection method: clinical testing. Allele origin: germline.

Natera, Inc.
Classification: Likely benign for Sanfilippo disease. Last evaluated: 2020-01-28. Review status: no assertion criteria provided. Collection method: clinical testing. Allele origin: germline. Not counted in ClinVar's aggregate classification.

PreventionGenetics, part of Exact Sciences
Classification: Likely benign for GNS-related condition. Last evaluated: 2019-08-16. Review status: no assertion criteria provided. Collection method: clinical testing. Allele origin: germline. Not counted in ClinVar's aggregate classification.
Comment: This variant is classified as likely benign based on ACMG/AMP sequence variant interpretation guidelines (Richards et al. 2015 PMID: 25741868, with internal and published modifications).

NM_002076.4(GNS):c.577C>T (p.Arg193Trp)

Gene: GNS (glucosamine (N-acetyl)-6-sulfatase; minus strand). Cytogenetic location: 12q14.3.
Variant type: single nucleotide variant.
Coding change: c.577C>T on transcript NM_002076.4 (MANE Select); coding-DNA position 577, C replaced by T.
Protein change: p.Arg193Trp; replaces arginine 193 with tryptophan.
Molecular consequence: missense variant.
Genome position (GRCh38, 1-based): chr12:64,744,856, G>A on the plus strand (C>T on the coding strand, the complement: GNS is on the minus strand). VCF-style: chr12-64744856-G-A. GRCh37 (hg19) VCF-style: chr12-65138636-G-A.
Other names: short protein forms R193W.
Identifiers: ClinVar variation 724833 (VCV000724833.18), dbSNP rs144220755, ClinGen allele CA6669898.